The following is an entry in ClinVar:

ClinVar aggregate classification (germline): Benign/Likely benign. Review status: criteria provided, multiple submitters, no conflicts (2 of 4 stars). 7 submissions from 7 submitters: Benign (3); Likely benign (4). Last evaluated 2026-01-31.

Conditions:
Asphyxiating thoracic dystrophy 3. Also called: SHORT-RIB THORACIC DYSPLASIA 3 WITH OR WITHOUT POLYDACTYLY; POLYDACTYLY WITH NEONATAL CHONDRODYSTROPHY, TYPE I; SHORT-RIB THORACIC DYSPLASIA 3/6 WITH POLYDACTYLY, DIGENIC; Short rib polydactyly syndrome 2B; Saldino-Noonan Syndrome. Identifiers: Orphanet 474, Orphanet 93269, Orphanet 93270, Orphanet 93271, MedGen C0036069, MONDO:0013127, OMIM 613091.
Jeune thoracic dystrophy. Also called: Short-rib thoracic dysplasia; Infantile thoracic dystrophy; Thoracic pelvic phalangeal dystrophy; Jeune's syndrome; Chondroectodermal dysplasia-like syndrome; Jeune syndrome. Identifiers: Orphanet 474, MedGen C0265275, MONDO:0018770.

Allele frequency attached by ClinVar (database versions not stated): 1000 Genomes Project 0.00160; 1000 Genomes Project 30x 0.00219; gnomAD exomes 0.00271 and 0.00485; ExAC 0.00285; TOPMed 0.00300; gnomAD 0.00313 and 0.00327; ESP Exome Variant Server 0.00371.
gnomAD v4.1: 7,192 of 1,544,904 alleles (0.47%); highest among the groups gnomAD compares: Non-Finnish European, 0.58%; 25 homozygotes.

Submissions (7):

Labcorp Genetics (formerly Invitae), Labcorp
Classification: Benign for Jeune thoracic dystrophy. Last evaluated: 2026-01-31. Review status: criteria provided, single submitter. Criteria: Invitae Variant Classification Sherloc (09022015). Collection method: clinical testing. Allele origin: germline.

Blueprint Genetics
Classification: Likely benign. Last evaluated: 2024-11-22. Review status: criteria provided, single submitter. Criteria: ACMG Guidelines, 2015. Collection method: clinical testing. Allele origin: germline.

CeGaT Center for Human Genetics Tuebingen
Classification: Likely benign. Last evaluated: 2023-01-01. Review status: criteria provided, single submitter. Criteria: CeGaT Center For Human Genetics Tuebingen Variant Classification Criteria Version 2. Collection method: clinical testing. Allele origin: germline. Affected: yes. Observed: 4 variant alleles.
Comment: DYNC2H1: BP4

GeneDx
Classification: Benign. Last evaluated: 2020-01-10. Review status: criteria provided, single submitter. Criteria: GeneDx Variant Classification Process June 2021. Collection method: clinical testing. Allele origin: germline. Affected: yes.

ARUP Laboratories, Molecular Genetics and Genomics, ARUP Laboratories
Classification: Benign. Last evaluated: 2019-04-12. Review status: criteria provided, single submitter. Criteria: ARUP Molecular Germline Variant Investigation Process. Collection method: clinical testing. Allele origin: germline.

Illumina Laboratory Services, Illumina
Classification: Likely benign for Asphyxiating thoracic dystrophy 3. Last evaluated: 2018-01-13. Review status: criteria provided, single submitter. Criteria: ICSL Variant Classification Criteria 13 December 2019. Collection method: clinical testing. Allele origin: germline.
Comment: This variant was observed in the ICSL laboratory as part of a predisposition screen in an ostensibly healthy population. It had not been previously curated by ICSL or reported in the Human Gene Mutation Database (HGMD: prior to June 1st, 2018), and was therefore a candidate for classification through an automated scoring system. Utilizing variant allele frequency, disease prevalence and penetrance estimates, and inheritance mode, an automated score was calculated to assess if this variant is too frequent to cause the disease. Based on the score and internal cut-off values, a variant classified as likely benign is not then subjected to further curation. The score for this variant resulted in a classification of likely benign for this disease.

Eurofins Ntd Llc (ga)
Classification: Likely benign. Last evaluated: 2017-07-13. Review status: criteria provided, single submitter. Criteria: EGL Classification Definitions 2015. Collection method: clinical testing. Allele origin: germline. Observed: 2 variant alleles, 2 heterozygotes.

NM_001377.3(DYNC2H1):c.9939T>C (p.Ala3313=)

Gene: DYNC2H1 (dynein cytoplasmic 2 heavy chain 1; plus strand). Cytogenetic location: 11q22.3.
Variant type: single nucleotide variant.
Coding change: c.9939T>C on transcript NM_001377.3 (MANE Select); coding-DNA position 9939, T replaced by C.
Protein change: p.Ala3313=; no amino-acid change (alanine 3313 retained).
Molecular consequence: synonymous variant.
Genome position (GRCh38, 1-based): chr11:103,245,271, T>C. VCF-style: chr11-103245271-T-C. GRCh37 (hg19) VCF-style: chr11-103116000-T-C.
Other names: c.9960T>C, p.Ala3320= (NM_001080463.2).
Identifiers: ClinVar variation 302084 (VCV000302084.69), dbSNP rs192003811, ClinGen allele CA6254837.